The following is an entry in ClinVar:

ClinVar aggregate classification (germline): Uncertain significance (1 of 4 stars; one submission).

gnomAD v4.1: 7 of 1,614,202 alleles (0.00043%); highest among the groups gnomAD compares: Non-Finnish European, 0.00059%; no homozygotes.

Submission:

GeneDx
Classification: Uncertain significance. Last evaluated: 2024-08-06. Review status: criteria provided, single submitter. Criteria: GeneDx Variant Classification Process June 2021. Collection method: clinical testing. Allele origin: germline. Affected: yes.
Comment: Not observed at significant frequency in large population cohorts (gnomAD); In silico analysis indicates that this missense variant does not alter protein structure/function; Has not been previously published as pathogenic or benign to our knowledge

NM_015662.3(IFT172):c.2374C>G (p.Leu792Val)

Gene: IFT172 (intraflagellar transport 172; minus strand). Cytogenetic location: 2p23.3.
Variant type: single nucleotide variant.
Coding change: c.2374C>G on transcript NM_015662.3 (MANE Select); coding-DNA position 2374, C replaced by G.
Protein change: p.Leu792Val; replaces leucine 792 with valine.
Molecular consequence: missense variant.
Genome position (GRCh38, 1-based): chr2:27,461,337, G>C on the plus strand (C>G on the coding strand, the complement: IFT172 is on the minus strand). VCF-style: chr2-27461337-G-C. GRCh37 (hg19) VCF-style: chr2-27684204-G-C.
Other names: c.2308C>G, p.Leu770Val (NM_001410739.1); short protein forms L770V, L792V.
Identifiers: ClinVar variation 3603100 (VCV003603100.1).